The following is an entry in ClinVar:

ClinVar aggregate classification (germline): Uncertain significance (1 of 4 stars; one submission).

Conditions:
Epilepsy, familial focal, with variable foci 3 (FFEVF3). Identifiers: MedGen C4310708, MONDO:0014925, OMIM 617118.

Submission:

Labcorp Genetics (formerly Invitae), Labcorp
Classification: Uncertain significance for Epilepsy, familial focal, with variable foci 3. Last evaluated: 2020-10-29. Review status: criteria provided, single submitter. Criteria: Invitae Variant Classification Sherloc (09022015). Collection method: clinical testing. Allele origin: germline.
Comment: This variant results in a copy number gain of the genomic region encompassing exons 4-8 of the NPRL3 gene. While the exact position of this variant cannot be determined from this data, sub-genic copy number gains are generally in tandem (PMID: 25640679). This variant would be expected to be in-frame, preserving the integrity of the reading frame. This variant has not been reported in the literature in individuals with NPRL3-related conditions. In summary, the available evidence is currently insufficient to determine the role of this variant in disease. Therefore, it has been classified as a Variant of Uncertain Significance.

Literature cited by the submitters: PubMed 25640679.

NC_000016.9:g.(?_150360)_(169264_?)dup

Gene: NPRL3 (NPR3 like, GATOR1 complex subunit; minus strand). Cytogenetic location: 16p13.3.
Variant type: Duplication.
Identifiers: ClinVar variation 1022607 (VCV001022607.1).